The following is an entry in ClinVar:

NM_001077365.2(POMT1):c.1432C>T (p.Arg478Trp)

Gene: POMT1 (protein O-mannosyltransferase 1; plus strand). Cytogenetic location: 9q34.13.
Variant type: single nucleotide variant.
Coding change: c.1432C>T on transcript NM_001077365.2 (MANE Select); coding-DNA position 1432, C replaced by T.
Protein change: p.Arg478Trp; replaces arginine 478 with tryptophan.
Molecular consequence: missense variant. On other transcripts: non-coding transcript variant (10), intron variant (1).
Genome position (GRCh38, 1-based): chr9:131,518,903, C>T. VCF-style: chr9-131518903-C-T. GRCh37 (hg19) VCF-style: chr9-134394290-C-T.
Other names: c.1270C>T, p.Arg424Trp (NM_001077366.2, NM_001353194.2); c.1432C>T, p.Arg478Trp (NM_001136113.2); c.1081C>T, p.Arg361Trp (NM_001136114.2, NM_001353195.2, NM_001374691.1 and 2 more transcripts); c.1498C>T, p.Arg500Trp (NM_001353193.2, NM_007171.4); c.1342C>T, p.Arg448Trp (NM_001353196.2); c.1336C>T, p.Arg446Trp (NM_001353197.2, NM_001353198.2); c.1147C>T, p.Arg383Trp (NM_001353199.2); c.976C>T, p.Arg326Trp (NM_001353200.2); and 3 more; short protein forms R424W, R448W, R383W, R326W, R348W, R361W, R446W, R474W.
Identifiers: ClinVar variation 959692 (VCV000959692.12), dbSNP rs763756593, ClinGen allele CA5293693.
Genomic context (GRCh38, chr9:131,518,903, plus strand): 5'-GGGGCTCACCTCCCTGACTGGGGGTATCGGCAACTGGAGATCGTCGGGGAGAAGCTGTCC[C>T]GGGGCTACCACGGGAGCACGGTGTGGAACGTGGAGGAGCACCGATACGGCGCGAGTGAGT-3'
Protein context (NP_001070833.1, residues 468-488): QLEIVGEKLS[Arg478Trp]GYHGSTVWNV

ClinVar aggregate classification (germline): Uncertain significance. Review status: criteria provided, multiple submitters, no conflicts (2 of 4 stars). 4 submissions from 4 submitters: Uncertain significance (4). Last evaluated 2026-08-01.

Conditions:
Autosomal recessive limb-girdle muscular dystrophy type 2K. Also called: MUSCULAR DYSTROPHY-DYSTROGLYCANOPATHY (LIMB-GIRDLE), TYPE C, 1; MUSCULAR DYSTROPHY, LIMB-GIRDLE, TYPE 2K. Identifiers: Orphanet 86812, MedGen C1836373, MONDO:0012248, OMIM 609308.
Walker-Warburg congenital muscular dystrophy. Also called: Muscular dystrophy-dystroglycanopathy, type A; Walker-Warburg syndrome. Identifiers: Orphanet 899, MedGen C0265221, MONDO:0000171.
Muscular dystrophy-dystroglycanopathy (congenital with impaired intellectual development), type B, 1. Also called: Muscular dystrophy-dystroglycanopathy (congenital with intellectual disability), type B1; MUSCULAR DYSTROPHY, CONGENITAL, POMT1-RELATED. Identifiers: MedGen C5436962, MONDO:0013159, OMIM 613155.
Inborn genetic diseases. Identifiers: MedGen C0950123, MeSH D030342.

Allele frequency attached by ClinVar (database versions not stated): gnomAD 0.00002; gnomAD exomes 0.00002 and 0.00003; TOPMed 0.00002; 1000 Genomes Project 30x 0.00016; ExAC 0.00001.
gnomAD v4.1: 48 of 1,613,842 alleles (0.003%); highest among the groups gnomAD compares: South Asian, 0.019%; no homozygotes.

Submissions (4):

CeGaT Center for Human Genetics Tuebingen
Classification: Uncertain significance. Last evaluated: 2026-08-01. Review status: criteria provided, single submitter. Criteria: CeGaT Center For Human Genetics Tuebingen Variant Classification Criteria Version 2. Collection method: clinical testing. Allele origin: germline. Affected: yes. Observed: 1 variant allele.
Comment: POMT1: PM2

Ambry Genetics
Classification: Uncertain significance for Inborn genetic diseases. Last evaluated: 2025-12-04. Review status: criteria provided, single submitter. Criteria: Ambry Variant Classification Scheme 2023. Collection method: clinical testing. Allele origin: germline.

Labcorp Genetics (formerly Invitae), Labcorp
Classification: Uncertain significance for Muscular dystrophy-dystroglycanopathy (congenital with impaired intellectual development), type B, 1; Walker-Warburg congenital muscular dystrophy; Autosomal recessive limb-girdle muscular dystrophy type 2K. Last evaluated: 2024-10-16. Review status: criteria provided, single submitter. Criteria: Invitae Variant Classification Sherloc (09022015). Collection method: clinical testing. Allele origin: germline.
Comment: This sequence change replaces arginine, which is basic and polar, with tryptophan, which is neutral and slightly polar, at codon 500 of the POMT1 protein (p.Arg500Trp). This variant is present in population databases (rs763756593, gnomAD 0.01%). This variant has not been reported in the literature in individuals affected with POMT1-related conditions. ClinVar contains an entry for this variant (Variation ID: 959692). Invitae Evidence Modeling of protein sequence and biophysical properties (such as structural, functional, and spatial information, amino acid conservation, physicochemical variation, residue mobility, and thermodynamic stability) has been performed for this missense variant. However, the output from this modeling did not meet the statistical confidence thresholds required to predict the impact of this variant on POMT1 protein function. In summary, the available evidence is currently insufficient to determine the role of this variant in disease. Therefore, it has been classified as a Variant of Uncertain Significance.

Revvity Omics, Revvity
Classification: Uncertain significance. Last evaluated: 2020-02-12. Review status: criteria provided, single submitter. Criteria: ACMG Guidelines, 2015. Collection method: clinical testing. Allele origin: germline.